The following is an entry in ClinVar:

NM_001320.7(CSNK2B):c.73-11T>A

Gene: CSNK2B (casein kinase 2 beta; plus strand). Cytogenetic location: 6p21.33.
Variant type: single nucleotide variant.
Coding change: c.73-11T>A on transcript NM_001320.7 (MANE Select); 11 bases into the intron before coding-DNA position 73, T replaced by A.
Molecular consequence: intron variant.
Genome position (GRCh38, 1-based): chr6:31,667,857, T>A. VCF-style: chr6-31667857-T-A. GRCh37 (hg19) VCF-style: chr6-31635634-T-A.
Other names: c.73-11T>A (NM_001282385.2).
Identifiers: ClinVar variation 4813620 (VCV004813620.2).

ClinVar aggregate classification (germline): Uncertain significance. Review status: criteria provided, multiple submitters, no conflicts (2 of 4 stars). 2 submissions from 2 submitters: Uncertain significance (2). Last evaluated 2026-03-18.

Conditions:
Poirier-Bienvenu neurodevelopmental syndrome (POBINDS). Identifiers: Orphanet 689397, MedGen C5231482, MONDO:0032889, OMIM 618732.

Submissions (2):

Department of Molecular Genetics, Istishari Arab Hospital
Classification: Uncertain significance for Poirier-Bienvenu neurodevelopmental syndrome. Last evaluated: 2026-03-18. Review status: criteria provided, single submitter. Criteria: ACMG Guidelines, 2015. Collection method: clinical testing. Allele origin: germline. Inheritance: Autosomal dominant inheritance. Affected: yes.
Comment: The CSNK2B variant c.73-11T>A is predicted to disrupt the acceptor splice site [Splice AI: Strong (0.98)] and produce an abnormal transcript. This variant is not observed in the gnomAD v4.1.0 dataset and has not been previously described in the literature. It is classified as a variant of uncertain significance according to the recommendations of ACMG/AMP/ClinGen SVI guidelines.

3billion
Classification: Uncertain significance for Poirier-Bienvenu neurodevelopmental syndrome. Last evaluated: 2026-01-21. Review status: criteria provided, single submitter. Criteria: ACMG Guidelines, 2015. Collection method: clinical testing. Allele origin: germline. Affected: yes.
Comment: The variant is not observed in the gnomAD v4.1.0 dataset. Predicted Consequence/Location: Intron variant In silico tools predict the variant to alter splicing and produce an abnormal transcript [SpliceAI: 0.98 (>=0.2, moderate evidence for spliceogenicity)]. Therefore, this variant is classified as VUS according to the recommendation of ACMG/AMP guideline.